The following is an entry in ClinVar:

NM_003737.4(DCHS1):c.709G>A (p.Ala237Thr)

Gene: DCHS1 (dachsous cadherin-related 1; minus strand). Cytogenetic location: 11p15.4.
Variant type: single nucleotide variant.
Coding change: c.709G>A on transcript NM_003737.4 (MANE Select); coding-DNA position 709, G replaced by A.
Protein change: p.Ala237Thr; replaces alanine 237 with threonine.
Molecular consequence: missense variant.
Genome position (GRCh38, 1-based): chr11:6,640,905, C>T on the plus strand (G>A on the coding strand, the complement: DCHS1 is on the minus strand). VCF-style: chr11-6640905-C-T. GRCh37 (hg19) VCF-style: chr11-6662136-C-T.
Other names: short protein forms A237T.
Identifiers: ClinVar variation 2175169 (VCV002175169.4), dbSNP rs149950385, ClinGen allele CA5861101.

ClinVar aggregate classification (germline): Uncertain significance (1 of 4 stars; one submission).

Allele frequency attached by ClinVar (database versions not stated): gnomAD exomes below 0.00001; ExAC 0.00002; TOPMed 0.00008; gnomAD 0.00009; ESP Exome Variant Server 0.00015.
gnomAD v4.1: 23 of 1,614,014 alleles (0.0014%); highest among the groups gnomAD compares: African/African-American, 0.021%; no homozygotes.

Submission:

Labcorp Genetics (formerly Invitae), Labcorp
Classification: Uncertain significance. Last evaluated: 2026-01-18. Review status: criteria provided, single submitter. Criteria: Invitae Variant Classification Sherloc (09022015). Collection method: clinical testing. Allele origin: germline.
Comment: This sequence change replaces alanine, which is neutral and non-polar, with threonine, which is neutral and polar, at codon 237 of the DCHS1 protein (p.Ala237Thr). This variant is present in population databases (rs149950385, gnomAD 0.02%). This variant has not been reported in the literature in individuals affected with DCHS1-related conditions. ClinVar contains an entry for this variant (Variation ID: 2175169). Invitae Evidence Modeling of protein sequence and biophysical properties (such as structural, functional, and spatial information, amino acid conservation, physicochemical variation, residue mobility, and thermodynamic stability) indicates that this missense variant is not expected to disrupt DCHS1 protein function with a negative predictive value of 95%. In summary, the available evidence is currently insufficient to determine the role of this variant in disease. Therefore, it has been classified as a Variant of Uncertain Significance.